The following is an entry in ClinVar:

ClinVar aggregate classification (germline): Uncertain significance (1 of 4 stars; one submission).

Submission:

Labcorp Genetics (formerly Invitae), Labcorp
Classification: Uncertain significance. Last evaluated: 2025-07-31. Review status: criteria provided, single submitter. Criteria: Invitae Variant Classification Sherloc (09022015). Collection method: clinical testing. Allele origin: germline.
Comment: This sequence change replaces threonine, which is neutral and polar, with isoleucine, which is neutral and non-polar, at codon 548 of the APPL1 protein (p.Thr548Ile). This variant is not present in population databases (gnomAD no frequency). This variant has not been reported in the literature in individuals affected with APPL1-related conditions. Invitae Evidence Modeling of protein sequence and biophysical properties (such as structural, functional, and spatial information, amino acid conservation, physicochemical variation, residue mobility, and thermodynamic stability) indicates that this missense variant is not expected to disrupt APPL1 protein function with a negative predictive value of 80%. In summary, the available evidence is currently insufficient to determine the role of this variant in disease. Therefore, it has been classified as a Variant of Uncertain Significance.

NM_012096.3(APPL1):c.1643C>T (p.Thr548Ile)

Gene: APPL1 (adaptor protein, phosphotyrosine interacting with PH domain and leucine zipper 1; plus strand). Cytogenetic location: 3p14.3.
Variant type: single nucleotide variant.
Coding change: c.1643C>T on transcript NM_012096.3 (MANE Select); coding-DNA position 1643, C replaced by T.
Protein change: p.Thr548Ile; replaces threonine 548 with isoleucine.
Molecular consequence: missense variant.
Genome position (GRCh38, 1-based): chr3:57,260,004, C>T. VCF-style: chr3-57260004-C-T. GRCh37 (hg19) VCF-style: chr3-57294032-C-T.
Other names: short protein forms T548I.
Identifiers: ClinVar variation 4781050 (VCV004781050.1).